The following is an entry in ClinVar:

ClinVar aggregate classification (germline): Pathogenic. Review status: criteria provided, multiple submitters, no conflicts (2 of 4 stars). 4 submissions from 4 submitters: Pathogenic (4). Last evaluated 2025-10-20.

Conditions:
Cholestasis, progressive familial intrahepatic, 4. Identifiers: Orphanet 480483, Orphanet 79304, MedGen C2931067, MONDO:0014381, OMIM 615878.
Hypercholanemia, familial 1 (FHCA1). Identifiers: Orphanet 238475, MedGen C5542604, MONDO:0031446, OMIM 607748.

Allele frequency attached by ClinVar (database versions not stated): gnomAD exomes below 0.00001; TOPMed below 0.00001; gnomAD 0.00001.
gnomAD v4.1: 2 of 1,614,000 alleles (0.00012%); highest among the groups gnomAD compares: Admixed American, 0.0017%; no homozygotes.

Submissions (4):

Labcorp Genetics (formerly Invitae), Labcorp
Classification: Pathogenic. Last evaluated: 2025-10-20. Review status: criteria provided, single submitter. Criteria: Invitae Variant Classification Sherloc (09022015). Collection method: clinical testing. Allele origin: germline.
Comment: This sequence change creates a premature translational stop signal (p.Arg632*) in the TJP2 gene. It is expected to result in an absent or disrupted protein product. Loss-of-function variants in TJP2 are known to be pathogenic (PMID: 24614073, 25921221, 28039895). This variant is not present in population databases (gnomAD no frequency). This premature translational stop signal has been observed in individual(s) with cholestasis (PMID: 31696999). ClinVar contains an entry for this variant (Variation ID: 632045). For these reasons, this variant has been classified as Pathogenic.

Genomic Medicine Center of Excellence, King Faisal Specialist Hospital and Research Centre
Classification: Pathogenic for Hypercholanemia, familial 1. Last evaluated: 2024-03-17. Review status: criteria provided, single submitter. Criteria: ACMG Guidelines, 2015. Collection method: research. Allele origin: germline.

Baylor Genetics
Classification: Pathogenic for Cholestasis, progressive familial intrahepatic, 4. Last evaluated: 2019-12-26. Review status: criteria provided, single submitter. Criteria: ACMG Guidelines, 2015. Collection method: clinical testing. Allele origin: unknown. Affected: yes.
Comment: This variant was determined to be pathogenic according to ACMG Guidelines, 2015 [PMID:25741868].

The Center for Pediatric Liver Diseases, Children’s Hospital of Fudan University
Classification: Pathogenic for Cholestasis, progressive familial intrahepatic, 4. Last evaluated: 2019-10-15. Review status: criteria provided, single submitter. Criteria: ACMG Guidelines, 2015. Collection method: clinical testing. Allele origin: somatic. Affected: yes.

Literature cited by the submitters: PubMed 24614073 (cited by Labcorp Genetics (formerly Invitae), Labcorp); PubMed 25921221 (cited by Labcorp Genetics (formerly Invitae), Labcorp); PubMed 28039895 (cited by Labcorp Genetics (formerly Invitae), Labcorp); PubMed 31696999 (cited by Labcorp Genetics (formerly Invitae), Labcorp).

NM_004817.4(TJP2):c.1894C>T (p.Arg632Ter)

Gene: TJP2 (tight junction protein 2; plus strand). Cytogenetic location: 9q21.11.
Variant type: single nucleotide variant.
Coding change: c.1894C>T on transcript NM_004817.4 (MANE Select); coding-DNA position 1894, C replaced by T.
Protein change: p.Arg632Ter; replaces arginine 632 with a stop codon.
Molecular consequence: nonsense.
Genome position (GRCh38, 1-based): chr9:69,236,141, C>T. VCF-style: chr9-69236141-C-T. GRCh37 (hg19) VCF-style: chr9-71851057-C-T.
Other names: c.1894C>T, p.Arg632Ter (LRG_1201t1, NM_001369872.1, NM_001369873.1 and 1 more transcripts); c.1825C>T, p.Arg609Ter (NM_001170414.2, NM_001369871.1); c.1906C>T, p.Arg636Ter (NM_001170415.1, NM_001369874.1, NM_001369875.1); c.1987C>T, p.Arg663Ter (NM_001170416.2); c.1819C>T, p.Arg607Ter (NM_001369870.1); short protein forms R632*, R609*, R607*, R663*, R636*.
Identifiers: ClinVar variation 632045 (VCV000632045.6), dbSNP rs928915940, ClinGen allele CA193371632.
Genomic context (GRCh38, chr9:69,236,141, plus strand): 5'-CACTTTGAATGTGAGAAGGAAACTCCACAGAGCCTGGCCTTCACCAGAGGGGAGGTCTTC[C>T]GAGTGGTAGACACACTGTATGACGGCAAGCTGGGCAACTGGCTGGCTGTGAGGATTGGGA-3'